The following is an entry in ClinVar:

ClinVar aggregate classification (germline): Likely benign (1 of 4 stars; one submission).

Submission:

CeGaT Center for Human Genetics Tuebingen
Classification: Likely benign. Last evaluated: 2026-04-01. Review status: criteria provided, single submitter. Criteria: CeGaT Center For Human Genetics Tuebingen Variant Classification Criteria Version 2. Collection method: clinical testing. Allele origin: germline. Affected: yes. Observed: 2 variant alleles.
Comment: DIP2A: PM2:Supporting, BP4, BP7

NM_015151.4(DIP2A):c.3565C>A (p.Arg1189=)

Gene: DIP2A (DIP2 acetate--CoA ligase A; plus strand). Cytogenetic location: 21q22.3.
Variant type: single nucleotide variant.
Coding change: c.3565C>A on transcript NM_015151.4 (MANE Select); coding-DNA position 3565, C replaced by A.
Protein change: p.Arg1189=; no amino-acid change (arginine 1189 retained).
Molecular consequence: synonymous variant.
Genome position (GRCh38, 1-based): chr21:46,557,005, C>A. VCF-style: chr21-46557005-C-A. GRCh37 (hg19) VCF-style: chr21-47976918-C-A.
Other names: c.3553C>A, p.Arg1185= (NM_001146116.2); c.3568C>A, p.Arg1190= (NM_001353942.2); c.3565C>A, p.Arg1189= (NM_001353943.2, NM_001410751.1).
Identifiers: ClinVar variation 4873048 (VCV004873048.2).